The following is an entry in ClinVar:

ClinVar aggregate classification (germline): Pathogenic (0 of 4 stars; one submission).

Conditions:
Thyroglobulin synthesis defect (TDH5). Also called: HYPOTHYROIDISM, CONGENITAL, DUE TO DYSHORMONOGENESIS, 5; Thyroid dyshormonogenesis 5; THYROID HORMONOGENESIS, GENETIC DEFECT IN, 5. Identifiers: Orphanet 95716, MedGen C0342196, MONDO:0010137, OMIM 274900.

gnomAD v4.1: 1 of 1,613,748 alleles (0.000062%); highest among the groups gnomAD compares: Non-Finnish European, 0.000085%; no homozygotes.

Submission:

Department of Pediatrics, Division of Medical Genetics, Faculty of Medicine Ramathibodi Hospital, Mahidol University
Classification: Pathogenic for Thyroglobulin synthesis defect. Last evaluated: 2020-05-14. Review status: no assertion criteria provided. Collection method: research. Allele origin: maternal. Inheritance: Autosomal dominant inheritance. Affected: yes. Observed: 1 heterozygote.

NM_207581.4(DUOXA2):c.501C>A (p.Cys167Ter)

Gene: DUOXA2 (dual oxidase maturation factor 2; plus strand). Cytogenetic location: 15q21.1.
Variant type: single nucleotide variant.
Coding change: c.501C>A on transcript NM_207581.4 (MANE Select); coding-DNA position 501, C replaced by A.
Protein change: p.Cys167Ter; replaces cysteine 167 with a stop codon.
Molecular consequence: nonsense.
Genome position (GRCh38, 1-based): chr15:45,116,676, C>A. VCF-style: chr15-45116676-C-A. GRCh37 (hg19) VCF-style: chr15-45408874-C-A.
Other names: short protein forms C167*.
Identifiers: ClinVar variation 917857 (VCV000917857.2), dbSNP rs781126484, ClinGen allele CA392283841.